The following is an entry in ClinVar:

NM_000492.4(CFTR):c.4312C>G (p.Arg1438Gly)

Genes: CFTR (CF transmembrane conductance regulator; plus strand), LOC111674477 (CFTR intron 23 enhancer; plus strand). Cytogenetic location: 7q31.2.
Variant type: single nucleotide variant.
Coding change: c.4312C>G on transcript NM_000492.4 (MANE Select); coding-DNA position 4312, C replaced by G.
Protein change: p.Arg1438Gly; replaces arginine 1438 with glycine.
Molecular consequence: missense variant.
Genome position (GRCh38, 1-based): chr7:117,666,977, C>G. VCF-style: chr7-117666977-C-G. GRCh37 (hg19) VCF-style: chr7-117307031-C-G.
Other names: short protein forms R1438G.
Identifiers: ClinVar variation 4227401 (VCV004227401.1).

ClinVar aggregate classification (germline): Uncertain significance (1 of 4 stars; one submission).

Conditions:
Cystic fibrosis (CF). Also called: MUCOVISCIDOSIS. Identifiers: Orphanet 586, MedGen C0010674, MONDO:0009061, OMIM 219700. Disease mechanism: loss of function.

Submission:

Ambry Genetics
Classification: Uncertain significance for Cystic fibrosis. Last evaluated: 2025-07-03. Review status: criteria provided, single submitter. Criteria: Ambry Variant Classification Scheme 2023. Collection method: clinical testing. Allele origin: germline.
Comment: The p.R1438G variant (also known as c.4312C>G), located in coding exon 27 of the CFTR gene, results from a C to G substitution at nucleotide position 4312. The arginine at codon 1438 is replaced by glycine, an amino acid with dissimilar properties. This amino acid position is conserved. In addition, the in silico prediction for this alteration is inconclusive. Based on the available evidence, the clinical significance of this variant remains unclear.